The following is an entry in ClinVar:

NM_005560.6(LAMA5):c.454T>C (p.Phe152Leu)

Genes: LAMA5 (laminin subunit alpha 5; minus strand), LAMA5-AS1 (LAMA5 antisense RNA 1; plus strand). Cytogenetic location: 20q13.33.
Variant type: single nucleotide variant.
Coding change: c.454T>C on transcript NM_005560.6 (MANE Select); coding-DNA position 454, T replaced by C.
Protein change: p.Phe152Leu; replaces phenylalanine 152 with leucine.
Molecular consequence: missense variant. On other transcripts: non-coding transcript variant (1).
Genome position (GRCh38, 1-based): chr20:62,353,248, A>G on the plus strand (T>C on the coding strand, the complement: LAMA5 is on the minus strand). VCF-style: chr20-62353248-A-G. GRCh37 (hg19) VCF-style: chr20-60928304-A-G.
Other names: short protein forms F152L.
Identifiers: ClinVar variation 2051192 (VCV002051192.2), dbSNP rs150937347, ClinGen allele CA9944433.

ClinVar aggregate classification (germline): Uncertain significance (1 of 4 stars; one submission).

Allele frequency attached by ClinVar (database versions not stated): ESP Exome Variant Server 0.00031; gnomAD 0.00048; TOPMed 0.00048; ExAC 0.00078; gnomAD exomes 0.00095.
gnomAD v4.1: 1,418 of 1,593,206 alleles (0.089%); highest among the groups gnomAD compares: Non-Finnish European, 0.12%; no homozygotes.

Submission:

Labcorp Genetics (formerly Invitae), Labcorp
Classification: Uncertain significance. Last evaluated: 2024-01-15. Review status: criteria provided, single submitter. Criteria: Invitae Variant Classification Sherloc (09022015). Collection method: clinical testing. Allele origin: germline.
Comment: This sequence change replaces phenylalanine, which is neutral and non-polar, with leucine, which is neutral and non-polar, at codon 152 of the LAMA5 protein (p.Phe152Leu). This variant is present in population databases (rs150937347, gnomAD 0.1%), and has an allele count higher than expected for a pathogenic variant. This variant has not been reported in the literature in individuals affected with LAMA5-related conditions. ClinVar contains an entry for this variant (Variation ID: 2051192). An algorithm developed to predict the effect of missense changes on protein structure and function (PolyPhen-2) suggests that this variant is likely to be disruptive. In summary, the available evidence is currently insufficient to determine the role of this variant in disease. Therefore, it has been classified as a Variant of Uncertain Significance.